The following is an entry in ClinVar:

ClinVar aggregate classification (germline): Uncertain significance (1 of 4 stars; one submission).

Conditions:
TRIM32-related disorder. Also called: TRIM32-related condition.

gnomAD v4.1: 1 of 1,614,156 alleles (0.000062%); highest among the groups gnomAD compares: African/African-American, 0.0013%; no homozygotes.

Submission:

PreventionGenetics, part of Exact Sciences
Classification: Uncertain significance for TRIM32-related condition. Last evaluated: 2024-12-27. Review status: criteria provided, single submitter. Criteria: ACMG Guidelines, 2015. Collection method: clinical testing. Allele origin: germline.
Comment: The TRIM32 c.1006C>A variant is predicted to result in the amino acid substitution p.Pro336Thr. To our knowledge, this variant has not been reported in the literature or in a large population database (gnomAD), indicating this variant is rare. At this time, the clinical significance of this variant is uncertain due to the absence of conclusive functional and genetic evidence.

NM_012210.4(TRIM32):c.1006C>A (p.Pro336Thr)

Genes: ASTN2 (astrotactin 2; minus strand), TRIM32 (tripartite motif containing 32; plus strand). Cytogenetic location: 9q33.1.
Variant type: single nucleotide variant.
Coding change: c.1006C>A on transcript NM_012210.4 (MANE Select); coding-DNA position 1006, C replaced by A.
Protein change: p.Pro336Thr; replaces proline 336 with threonine.
Molecular consequence: missense variant. On other transcripts: intron variant (3).
Genome position (GRCh38, 1-based): chr9:116,698,748, C>A. VCF-style: chr9-116698748-C-A. GRCh37 (hg19) VCF-style: chr9-119461027-C-A.
Other names: c.1006C>A, p.Pro336Thr (NM_001099679.2, NM_001379048.1, NM_001379049.1 and 1 more transcripts); c.2653+27023G>T (NM_014010.5); c.2794+27023G>T (NM_001365069.1); c.2806+27023G>T (NM_001365068.1); short protein forms P336T.
Identifiers: ClinVar variation 5000327 (VCV005000327.1).
Genomic context (GRCh38, chr9:116,698,748, plus strand): 5'-GCCTCTACCTCTGTTACTTTTAGAGAGATGGACATGAGCCCGGAGGAAGTGGTTGCCAGC[C>A]CTAGGGCCTCACCTGCTAAACAGCGGGGTCCTGAGGCAGCCTCCAATATCCAGCAGTGCC-3'
Protein context (NP_036342.2, residues 326-346): DMSPEEVVAS[Pro336Thr]RASPAKQRGP